The following is an entry in ClinVar:

NM_198123.2(CSMD3):c.7384C>A (p.Arg2462=)

Gene: CSMD3 (CUB and Sushi multiple domains 3; minus strand). Cytogenetic location: 8q23.3.
Variant type: single nucleotide variant.
Coding change: c.7384C>A on transcript NM_198123.2 (MANE Select); coding-DNA position 7384, C replaced by A.
Protein change: p.Arg2462=; no amino-acid change (arginine 2462 retained).
Molecular consequence: synonymous variant.
Genome position (GRCh38, 1-based): chr8:112,314,594, G>T on the plus strand (C>A on the coding strand, the complement: CSMD3 is on the minus strand). VCF-style: chr8-112314594-G-T. GRCh37 (hg19) VCF-style: chr8-113326823-G-T.
Other names: c.6784C>A, p.Arg2262= (NM_001363185.1); c.7072C>A, p.Arg2358= (NM_052900.3); c.7264C>A, p.Arg2422= (NM_198124.2).
Identifiers: ClinVar variation 3042588 (VCV003042588.2), dbSNP rs199998952, ClinGen allele CA4849285.

ClinVar aggregate classification (germline): Likely benign (0 of 4 stars; one submission).

Conditions:
CSMD3-related disorder. Also called: CSMD3-related condition.

Allele frequency attached by ClinVar (database versions not stated): 1000 Genomes Project 30x 0.00031; 1000 Genomes Project 0.00040.
gnomAD v4.1: 150 of 1,611,986 alleles (0.0093%); highest among the groups gnomAD compares: South Asian, 0.16%; no homozygotes.

Submission:

PreventionGenetics, part of Exact Sciences
Classification: Likely benign for CSMD3-related condition. Last evaluated: 2019-06-21. Review status: no assertion criteria provided. Collection method: clinical testing. Allele origin: germline.
Comment: This variant is classified as likely benign based on ACMG/AMP sequence variant interpretation guidelines (Richards et al. 2015 PMID: 25741868, with internal and published modifications).